The following is an entry in ClinVar:

NM_000059.4(BRCA2):c.7622_7629dup (p.Gly2544fs)

Gene: BRCA2 (BRCA2 DNA repair associated; plus strand). Cytogenetic location: 13q13.1.
Variant type: Duplication.
Coding change: c.7622_7629dup on transcript NM_000059.4 (MANE Select); coding-DNA positions 7622 to 7629, 8 bases duplicated (ATACGTAT; older notation c.7622_7629dupATACGTAT).
Protein change: p.Gly2544fs; shifts the reading frame from glycine 2544.
Molecular consequence: frameshift variant.
Genome position (GRCh38, 1-based): chr13:32,357,746-32,357,753, ATACGTAT duplicated; duplicating any 8 consecutive bases within chr13:32,357,745-32,357,753 gives the same sequence; the c. name uses the placement nearest the transcript's 3' end. VCF-style (leftmost placement, unchanged base first): chr13-32357744-G-GTATACGTA. GRCh37 (hg19) VCF-style: chr13-32931881-G-GTATACGTA.
Other names: short protein forms G2544fs.
Identifiers: ClinVar variation 1192199 (VCV001192199.1), dbSNP rs2137566082, ClinGen allele CA2499222301.

ClinVar aggregate classification (germline): Likely pathogenic (1 of 4 stars; one submission).

Conditions:
Hereditary breast ovarian cancer syndrome. Also called: Hereditary breast and ovarian cancer syndrome; Breast and ovarian cancer; Hereditary breast and ovarian cancer syndrome (HBOC); Hereditary breast and/or ovarian cancer syndrome; BRCA1- and BRCA2-Associated Hereditary Breast and Ovarian Cancer; Hereditary breast and ovarian cancer. Identifiers: Orphanet 145, MedGen C0677776, MeSH D061325, MONDO:0003582. Disease mechanism: loss of function.

Submission:

Women's Health and Genetics/Laboratory Corporation of America, LabCorp
Classification: Likely pathogenic for Hereditary breast ovarian cancer syndrome. Last evaluated: 2021-07-23. Review status: criteria provided, single submitter. Criteria: LabCorp Variant Classification Summary - May 2015. Collection method: clinical testing. Allele origin: germline.
Comment: Variant summary: BRCA2 c.7622_7629dupATACGTAT (p.Gly2544IlefsX10) results in a premature termination codon, predicted to cause a truncation of the encoded protein or absence of the protein due to nonsense mediated decay, which are commonly known mechanisms for disease. Truncations downstream of this position have been classified as pathogenic by our laboratory. The variant was absent in 250612 control chromosomes (gnomAD). To our knowledge, no occurrence of c.7622_7629dupATACGTAT in individuals affected with Hereditary Breast And Ovarian Cancer Syndrome and no experimental evidence demonstrating its impact on protein function have been reported. No clinical diagnostic laboratories have submitted clinical-significance assessments for this variant to ClinVar after 2014. Based on the evidence outlined above, the variant was classified as likely pathogenic.